The following is an entry in ClinVar:

ClinVar aggregate classification (germline): Uncertain significance (1 of 4 stars; one submission).

Conditions:
FGFR3-related chondrodysplasia. Identifiers: Orphanet 93420, MedGen C5681604, MONDO:0019685.

gnomAD v4.1: 6 of 1,556,292 alleles (0.00039%); highest among the groups gnomAD compares: South Asian, 0.0024%; no homozygotes.

Submission:

Genomenon, Inc
Classification: Uncertain significance for FGFR3-related chondrodysplasia. Last evaluated: 2026-06-23. Review status: criteria provided, single submitter. Criteria: Genomenon Sequence Variant Interpretation Standards - Updated. Collection method: curation. Allele origin: germline. Affected: no.
Comment: FGFR3 p.Arg155Trp (c.463C>T) is a missense variant that changes the amino acid at codon 155 from Arginine to Tryptophan. This variant has been reported in the published literature (PMID:41062690). It is absent or not present at a significant frequency in gnomAD. In conclusion, we classify FGFR3 p.Arg155Trp (c.463C>T) as a variant of uncertain significance.

Literature cited by the submitters: PubMed 41062690.

NM_000142.5(FGFR3):c.463C>T (p.Arg155Trp)

Gene: FGFR3 (fibroblast growth factor receptor 3; plus strand). Cytogenetic location: 4p16.3.
Variant type: single nucleotide variant.
Coding change: c.463C>T on transcript NM_000142.5 (MANE Select); coding-DNA position 463, C replaced by T.
Protein change: p.Arg155Trp; replaces arginine 155 with tryptophan.
Molecular consequence: missense variant. On other transcripts: non-coding transcript variant (1).
Genome position (GRCh38, 1-based): chr4:1,801,384, C>T. VCF-style: chr4-1801384-C-T. GRCh37 (hg19) VCF-style: chr4-1803111-C-T.
Other names: c.463C>T, p.Arg155Trp (NM_001163213.2, NM_001354809.2, NM_001354810.2 and 1 more transcripts); short protein forms R155W.
Identifiers: ClinVar variation 4857823 (VCV004857823.1).